The following is an entry in ClinVar:

NM_004186.5(SEMA3F):c.2157C>T (p.Gly719=)

Gene: SEMA3F (semaphorin 3F; plus strand). Cytogenetic location: 3p21.31.
Variant type: single nucleotide variant.
Coding change: c.2157C>T on transcript NM_004186.5 (MANE Select); coding-DNA position 2157, C replaced by T.
Protein change: p.Gly719=; no amino-acid change (glycine 719 retained).
Molecular consequence: synonymous variant.
Genome position (GRCh38, 1-based): chr3:50,187,914, C>T. VCF-style: chr3-50187914-C-T. GRCh37 (hg19) VCF-style: chr3-50225347-C-T.
Other names: c.1860C>T, p.Gly620= (NM_001318798.2); c.2064C>T, p.Gly688= (NM_001318800.2).
Identifiers: ClinVar variation 3057814 (VCV003057814.2), dbSNP rs758070625, ClinGen allele CA2412357.

ClinVar aggregate classification (germline): Likely benign (0 of 4 stars; one submission).

Conditions:
SEMA3F-related disorder. Also called: SEMA3F-related condition.

Allele frequency attached by ClinVar (database versions not stated): gnomAD 0.00001; TOPMed 0.00001; ExAC 0.00003.
gnomAD v4.1: 27 of 1,608,216 alleles (0.0017%); highest among the groups gnomAD compares: Non-Finnish European, 0.0022%; no homozygotes.

Submission:

PreventionGenetics, part of Exact Sciences
Classification: Likely benign for SEMA3F-related condition. Last evaluated: 2022-07-22. Review status: no assertion criteria provided. Collection method: clinical testing. Allele origin: germline.
Comment: This variant is classified as likely benign based on ACMG/AMP sequence variant interpretation guidelines (Richards et al. 2015 PMID: 25741868, with internal and published modifications).